The following is an entry in ClinVar:

ClinVar aggregate classification (germline): Conflicting classifications of pathogenicity. Review status: criteria provided, conflicting classifications (1 of 4 stars). 3 submissions from 3 submitters: Uncertain significance (2); Likely benign (1). Last evaluated 2024-04-24.

Conditions:
Hereditary cancer-predisposing syndrome. Also called: Tumor predisposition; Hereditary Cancer Syndrome; Hereditary neoplastic syndrome; Neoplastic Syndromes, Hereditary. Identifiers: Orphanet 140162, MedGen C0027672, MeSH D009386, MONDO:0015356.
Hereditary breast ovarian cancer syndrome. Also called: Hereditary breast and ovarian cancer; Hereditary breast and ovarian cancer syndrome; Breast and ovarian cancer; BRCA1- and BRCA2-Associated Hereditary Breast and Ovarian Cancer; Hereditary breast and/or ovarian cancer syndrome; Hereditary breast and ovarian cancer syndrome (HBOC). Identifiers: Orphanet 145, MedGen C0677776, MeSH D061325, MONDO:0003582. Disease mechanism: loss of function.

Submissions (3):

Labcorp Genetics (formerly Invitae), Labcorp
Classification: Uncertain significance for Hereditary breast ovarian cancer syndrome. Last evaluated: 2024-04-24. Review status: criteria provided, single submitter. Criteria: Invitae Variant Classification Sherloc (09022015). Collection method: clinical testing. Allele origin: germline.
Comment: This sequence change replaces phenylalanine, which is neutral and non-polar, with valine, which is neutral and non-polar, at codon 753 of the BRCA2 protein (p.Phe753Val). This variant is not present in population databases (gnomAD no frequency). This variant has not been reported in the literature in individuals affected with BRCA2-related conditions. ClinVar contains an entry for this variant (Variation ID: 1443195). Advanced modeling of protein sequence and biophysical properties (such as structural, functional, and spatial information, amino acid conservation, physicochemical variation, residue mobility, and thermodynamic stability) performed at Invitae indicates that this missense variant is not expected to disrupt BRCA2 protein function with a negative predictive value of 95%. In summary, the available evidence is currently insufficient to determine the role of this variant in disease. Therefore, it has been classified as a Variant of Uncertain Significance.

Ambry Genetics
Classification: Uncertain significance for Hereditary cancer-predisposing syndrome. Last evaluated: 2024-04-06. Review status: criteria provided, single submitter. Criteria: Ambry Variant Classification Scheme 2023. Collection method: clinical testing. Allele origin: germline.
Comment: The p.F753V variant (also known as c.2257T>G), located in coding exon 10 of the BRCA2 gene, results from a T to G substitution at nucleotide position 2257. The phenylalanine at codon 753 is replaced by valine, an amino acid with highly similar properties. This amino acid position is conserved. In addition, this alteration is predicted to be tolerated by in silico analysis. Based on the available evidence, the clinical significance of this variant remains unclear.

University of Washington Department of Laboratory Medicine, University of Washington
Classification: Likely benign for Hereditary cancer-predisposing syndrome. Last evaluated: 2023-03-23. Review status: criteria provided, single submitter. Criteria: Dines et al. (Genet Med. 2020). Collection method: curation. Allele origin: germline.
Comment: Missense variant in a coldspot region where missense variants are very unlikely to be pathogenic (PMID:31911673).

BRCA2 exon 11 coldspot. Reclassification based on statistical prior probability.

NM_000059.4(BRCA2):c.2257T>G (p.Phe753Val)

Gene: BRCA2 (BRCA2 DNA repair associated; plus strand). Cytogenetic location: 13q13.1.
Variant type: single nucleotide variant.
Coding change: c.2257T>G on transcript NM_000059.4 (MANE Select); coding-DNA position 2257, T replaced by G.
Protein change: p.Phe753Val; replaces phenylalanine 753 with valine.
Molecular consequence: missense variant.
Genome position (GRCh38, 1-based): chr13:32,336,612, T>G. VCF-style: chr13-32336612-T-G. GRCh37 (hg19) VCF-style: chr13-32910749-T-G.
Other names: c.2257T>G (NM_000059.3); short protein forms F753V.
Identifiers: ClinVar variation 1443195 (VCV001443195.10), dbSNP rs878853562, ClinGen allele CA387770978.